The following is an entry in ClinVar:

NM_001375524.1(TRRAP):c.10576G>A (p.Ala3526Thr)

Gene: TRRAP (transformation/transcription domain associated protein; plus strand). Cytogenetic location: 7q22.1.
Variant type: single nucleotide variant.
Coding change: c.10576G>A on transcript NM_001375524.1 (MANE Select); coding-DNA position 10576, G replaced by A.
Protein change: p.Ala3526Thr; replaces alanine 3526 with threonine.
Molecular consequence: missense variant.
Genome position (GRCh38, 1-based): chr7:99,005,171, G>A. VCF-style: chr7-99005171-G-A. GRCh37 (hg19) VCF-style: chr7-98602794-G-A.
Other names: c.10534G>A, p.Ala3512Thr (NM_001244580.2); c.10447G>A, p.Ala3483Thr (NM_003496.4); short protein forms A3483T, A3526T, A3512T.
Identifiers: ClinVar variation 3015534 (VCV003015534.3), dbSNP rs1184442190, ClinGen allele CA368337674.

ClinVar aggregate classification (germline): Uncertain significance (1 of 4 stars; one submission).

Allele frequency attached by ClinVar (database versions not stated): TOPMed 0.00001; gnomAD exomes below 0.00001; gnomAD 0.00001.
gnomAD v4.1: 7 of 1,613,872 alleles (0.00043%); highest among the groups gnomAD compares: Non-Finnish European, 0.00059%; no homozygotes.

Submission:

Labcorp Genetics (formerly Invitae), Labcorp
Classification: Uncertain significance. Last evaluated: 2025-03-18. Review status: criteria provided, single submitter. Criteria: Invitae Variant Classification Sherloc (09022015). Collection method: clinical testing. Allele origin: germline.
Comment: This sequence change replaces alanine, which is neutral and non-polar, with threonine, which is neutral and polar, at codon 3483 of the TRRAP protein (p.Ala3483Thr). This variant is present in population databases (no rsID available, gnomAD 0.007%). This variant has not been reported in the literature in individuals affected with TRRAP-related conditions. ClinVar contains an entry for this variant (Variation ID: 3015534). Invitae Evidence Modeling of protein sequence and biophysical properties (such as structural, functional, and spatial information, amino acid conservation, physicochemical variation, residue mobility, and thermodynamic stability) indicates that this missense variant is not expected to disrupt TRRAP protein function with a negative predictive value of 80%. In summary, the available evidence is currently insufficient to determine the role of this variant in disease. Therefore, it has been classified as a Variant of Uncertain Significance.